The following is an entry in ClinVar:

ClinVar aggregate classification (germline): Uncertain significance (1 of 4 stars; one submission).

Conditions:
Long QT syndrome (LQTS). Identifiers: MedGen C0023976, MeSH D008133, MONDO:0002442. Disease mechanism: loss of function. Inheritance: Various modes of inheritance.

Allele frequency attached by ClinVar (database versions not stated): gnomAD exomes below 0.00001.
gnomAD v4.1: 1 of 1,614,114 alleles (0.000062%); highest among the groups gnomAD compares: Admixed American, 0.0017%; no homozygotes.

Submission:

Labcorp Genetics (formerly Invitae), Labcorp
Classification: Uncertain significance for Long QT syndrome. Last evaluated: 2024-12-05. Review status: criteria provided, single submitter. Criteria: Invitae Variant Classification Sherloc (09022015). Collection method: clinical testing. Allele origin: germline.
Comment: This sequence change replaces tryptophan, which is neutral and slightly polar, with glycine, which is neutral and non-polar, at codon 58 of the CAV3 protein (p.Trp58Gly). This variant is present in population databases (no rsID available, gnomAD 0.003%). This variant has not been reported in the literature in individuals affected with CAV3-related conditions. ClinVar contains an entry for this variant (Variation ID: 409260). An algorithm developed to predict the effect of missense changes on protein structure and function (PolyPhen-2) suggests that this variant is likely to be disruptive. In summary, the available evidence is currently insufficient to determine the role of this variant in disease. Therefore, it has been classified as a Variant of Uncertain Significance.

NM_033337.3(CAV3):c.172T>G (p.Trp58Gly)

Genes: OXTR (oxytocin receptor; minus strand), CAV3 (caveolin 3; plus strand). Cytogenetic location: 3p25.3.
Variant type: single nucleotide variant.
Coding change: c.172T>G on transcript NM_033337.3 (MANE Select); coding-DNA position 172, T replaced by G.
Protein change: p.Trp58Gly; replaces tryptophan 58 with glycine.
Molecular consequence: missense variant.
Genome position (GRCh38, 1-based): chr3:8,745,583, T>G. VCF-style: chr3-8745583-T-G. GRCh37 (hg19) VCF-style: chr3-8787269-T-G.
Other names: c.172T>G, p.Trp58Gly (NM_001234.5); short protein forms W58G.
Identifiers: ClinVar variation 409260 (VCV000409260.5), dbSNP rs199476330, ClinGen allele CA16611550.